The following is an entry in ClinVar:

NM_001943.5(DSG2):c.943G>C (p.Gly315Arg)

Gene: DSG2 (desmoglein 2; plus strand). Cytogenetic location: 18q12.1.
Variant type: single nucleotide variant.
Coding change: c.943G>C on transcript NM_001943.5 (MANE Select); coding-DNA position 943, G replaced by C.
Protein change: p.Gly315Arg; replaces glycine 315 with arginine.
Molecular consequence: missense variant.
Genome position (GRCh38, 1-based): chr18:31,524,817, G>C. VCF-style: chr18-31524817-G-C. GRCh37 (hg19) VCF-style: chr18-29104780-G-C.
Other names: short protein forms G315R.
Identifiers: ClinVar variation 3073889 (VCV003073889.4), dbSNP rs892490352, ClinGen allele CA297732302.
Genomic context (GRCh38, chr18:31,524,817, plus strand): 5'-GTGTTCGATGCAGATGAAATAGGTTCTGATAATTGGCTGGCAAATTTTACATTTGCATCA[G>C]GAAATGAAGGAGGTTATTTCCACATAGAAACAGATGCTCAAACTAACGAAGGAATTGTGA-3'
Protein context (NP_001934.2, residues 305-325): NWLANFTFAS[Gly315Arg]NEGGYFHIET

ClinVar aggregate classification (germline): Uncertain significance. Review status: criteria provided, multiple submitters, no conflicts (2 of 4 stars). 3 submissions from 3 submitters: Uncertain significance (3). Last evaluated 2025-07-03.

Conditions:
Arrhythmogenic right ventricular dysplasia 10. Also called: ARRHYTHMOGENIC RIGHT VENTRICULAR DYSPLASIA, FAMILIAL, 10; Arrhythmogenic Right Ventricular Dysplasia/Cardiomyopathy10; Arrhythmogenic right ventricular dysplasia/cardiomyopathy, type 10. Identifiers: MedGen C1857777, MONDO:0012434, OMIM 610193.
Arrhythmogenic right ventricular cardiomyopathy (ARVD). Also called: Arrhythmogenic right ventricular dysplasia; Cardiomyopathy, ARVC; Arrhythmogenic cardiomyopathy; Arrhythmogenic Right Ventricular Cardiomyopathy (ARVC). Identifiers: Orphanet 247, MedGen C0349788, MeSH D019571, MONDO:0016587. Disease mechanism: loss of function. Inheritance: Various modes of inheritance.
Cardiovascular phenotype. Identifiers: MedGen CN230736.

Allele frequency attached by ClinVar (database versions not stated): TOPMed 0.00001.

Submissions (3):

Labcorp Genetics (formerly Invitae), Labcorp
Classification: Uncertain significance for Arrhythmogenic right ventricular dysplasia 10. Last evaluated: 2025-07-03. Review status: criteria provided, single submitter. Criteria: Invitae Variant Classification Sherloc (09022015). Collection method: clinical testing. Allele origin: germline.
Comment: This sequence change replaces glycine, which is neutral and non-polar, with arginine, which is basic and polar, at codon 315 of the DSG2 protein (p.Gly315Arg). This variant is not present in population databases (gnomAD no frequency). This variant has not been reported in the literature in individuals affected with DSG2-related conditions. ClinVar contains an entry for this variant (Variation ID: 3073889). Invitae Evidence Modeling of protein sequence and biophysical properties (such as structural, functional, and spatial information, amino acid conservation, physicochemical variation, residue mobility, and thermodynamic stability) has been performed for this missense variant. However, the output from this modeling did not meet the statistical confidence thresholds required to predict the impact of this variant on DSG2 protein function. In summary, the available evidence is currently insufficient to determine the role of this variant in disease. Therefore, it has been classified as a Variant of Uncertain Significance.

Ambry Genetics
Classification: Uncertain significance for Cardiovascular phenotype. Last evaluated: 2023-12-13. Review status: criteria provided, single submitter. Criteria: Ambry Variant Classification Scheme 2023. Collection method: clinical testing. Allele origin: germline.

All of Us Research Program, National Institutes of Health
Classification: Uncertain significance for Arrhythmogenic right ventricular cardiomyopathy. Last evaluated: 2023-11-30. Review status: criteria provided, single submitter. Criteria: ACMG Guidelines, 2015. Collection method: clinical testing. Allele origin: germline. Inheritance: Autosomal dominant inheritance. Observed: 1 variant allele, 1 heterozygote.
Comment: This study involves interpretation of variants in research participants for the purpose of population health screening. Participant phenotype was not available at the time of variant classification. Additional details can be found in publication PMID: 35346344, PMCID: PMC8962531